The following is an entry in ClinVar:

ClinVar aggregate classification (germline): Uncertain significance (1 of 4 stars; one submission).

Allele frequency attached by ClinVar (database versions not stated): TOPMed below 0.00001; gnomAD 0.00001.
gnomAD v4.1: 2 of 1,614,162 alleles (0.00012%); highest among the groups gnomAD compares: Non-Finnish European, 0.00017%; no homozygotes.

Submission:

Labcorp Genetics (formerly Invitae), Labcorp
Classification: Uncertain significance. Last evaluated: 2020-09-25. Review status: criteria provided, single submitter. Criteria: Invitae Variant Classification Sherloc (09022015). Collection method: clinical testing. Allele origin: germline.
Comment: In summary, the available evidence is currently insufficient to determine the role of this variant in disease. Therefore, it has been classified as a Variant of Uncertain Significance. Advanced modeling of protein sequence and biophysical properties (such as structural, functional, and spatial information, amino acid conservation, physicochemical variation, residue mobility, and thermodynamic stability) performed at Invitae indicates that this missense variant is not expected to disrupt MTOR protein function. This variant has not been reported in the literature in individuals with MTOR-related conditions. This variant is not present in population databases (ExAC no frequency). This sequence change replaces proline with arginine at codon 315 of the MTOR protein (p.Pro315Arg). The proline residue is moderately conserved and there is a moderate physicochemical difference between proline and arginine.

NM_004958.4(MTOR):c.944C>G (p.Pro315Arg)

Gene: MTOR (mechanistic target of rapamycin kinase; minus strand). Cytogenetic location: 1p36.22.
Variant type: single nucleotide variant.
Coding change: c.944C>G on transcript NM_004958.4 (MANE Select); coding-DNA position 944, C replaced by G.
Protein change: p.Pro315Arg; replaces proline 315 with arginine.
Molecular consequence: missense variant. On other transcripts: 5 prime UTR variant (1).
Genome position (GRCh38, 1-based): chr1:11,247,991, G>C on the plus strand (C>G on the coding strand, the complement: MTOR is on the minus strand). VCF-style: chr1-11247991-G-C. GRCh37 (hg19) VCF-style: chr1-11308048-G-C.
Other names: c.944C>G, p.Pro315Arg (NM_001386500.1); c.-196C>G (NM_001386501.1); short protein forms P315R.
Identifiers: ClinVar variation 1059948 (VCV001059948.9), dbSNP rs747130357, ClinGen allele CA338400269.
Genomic context (GRCh38, chr1:11,247,991, plus strand): 5'-CCCAGCAGCCCCACCAAGGCATTTGACTGCTGGGGCTGTACAGCCTGGAAACTGGTGAAG[G>C]GGGTAATGTGACGAGGTTTTGTTCCGAAGCCCATGAGATCTTTGCAGTACTTGTCGTGTA-3'
Protein context (NP_004949.1, residues 305-325): GFGTKPRHIT[Pro315Arg]FTSFQAVQPQ